The following is an entry in ClinVar:

NM_002081.3(GPC1):c.1268+5G>T

Gene: GPC1 (glypican 1; plus strand). Cytogenetic location: 2q37.3.
Variant type: single nucleotide variant.
Coding change: c.1268+5G>T on transcript NM_002081.3 (MANE Select); 5 bases into the intron after coding-DNA position 1268, G replaced by T.
Molecular consequence: intron variant.
Genome position (GRCh38, 1-based): chr2:240,465,215, G>T. VCF-style: chr2-240465215-G-T. GRCh37 (hg19) VCF-style: chr2-241404632-G-T.
Identifiers: ClinVar variation 5039817 (VCV005039817.1).
Genomic context (GRCh38, chr2:240,465,215, plus strand): 5'-ATGGCCCTGAGCACTGCCAGTGATGACCGCTGCTGGAACGGGATGGCCAGAGGCCGGTAG[G>T]TGCCCACCTGGCTGGCACAGCCCTCCCTCCCATGCCGCCTCCATTGGGCTGTGCCTGGGC-3'

ClinVar aggregate classification (germline): Likely benign (1 of 4 stars; one submission).

gnomAD v4.1: 1 of 1,600,880 alleles (0.000062%); highest among the groups gnomAD compares: Non-Finnish European, 0.000085%; no homozygotes.

Submission:

CeGaT Center for Human Genetics Tuebingen
Classification: Likely benign. Last evaluated: 2026-07-01. Review status: criteria provided, single submitter. Criteria: CeGaT Center For Human Genetics Tuebingen Variant Classification Criteria Version 2. Collection method: clinical testing. Allele origin: germline. Affected: yes. Observed: 1 variant allele.
Comment: GPC1: BP4